The following is an entry in ClinVar:

ClinVar aggregate classification (germline): Uncertain significance. Review status: criteria provided, multiple submitters, no conflicts (2 of 4 stars). 2 submissions from 2 submitters: Uncertain significance (2). Last evaluated 2025-08-30.

gnomAD v4.1: 9 of 1,547,712 alleles (0.00058%); highest among the groups gnomAD compares: Admixed American, 0.002%; no homozygotes.

Submissions (2):

Labcorp Genetics (formerly Invitae), Labcorp
Classification: Uncertain significance. Last evaluated: 2025-08-30. Review status: criteria provided, single submitter. Criteria: Invitae Variant Classification Sherloc (09022015). Collection method: clinical testing. Allele origin: germline.
Comment: This sequence change falls in intron 3 of the TMEM240 gene. It does not directly change the encoded amino acid sequence of the TMEM240 protein. It affects a nucleotide within the consensus splice site. This variant is present in population databases (no rsID available, gnomAD 0.004%). This variant has not been reported in the literature in individuals affected with TMEM240-related conditions. ClinVar contains an entry for this variant (Variation ID: 3341894). Variants that disrupt the consensus splice site are a relatively common cause of aberrant splicing (PMID: 17576681, 9536098). Algorithms developed to predict the effect of sequence changes on RNA splicing suggest that this variant is not likely to affect RNA splicing. In summary, the available evidence is currently insufficient to determine the role of this variant in disease. Therefore, it has been classified as a Variant of Uncertain Significance.

CeGaT Center for Human Genetics Tuebingen
Classification: Uncertain significance. Last evaluated: 2024-08-01. Review status: criteria provided, single submitter. Criteria: CeGaT Center For Human Genetics Tuebingen Variant Classification Criteria Version 2. Collection method: clinical testing. Allele origin: germline. Affected: yes. Observed: 1 variant allele.
Comment: TMEM240: PM2:Supporting, BP4

Literature cited by the submitters: PubMed 17576681 (cited by Labcorp Genetics (formerly Invitae), Labcorp); PubMed 9536098 (cited by Labcorp Genetics (formerly Invitae), Labcorp).

NM_001114748.2(TMEM240):c.373+3G>T

Gene: TMEM240 (transmembrane protein 240; minus strand). Cytogenetic location: 1p36.33.
Variant type: single nucleotide variant.
Coding change: c.373+3G>T on transcript NM_001114748.2 (MANE Select); 3 bases into the intron after coding-DNA position 373, G replaced by T.
Molecular consequence: intron variant.
Genome position (GRCh38, 1-based): chr1:1,535,586, C>A on the plus strand (G>T on the coding strand, the complement: TMEM240 is on the minus strand). VCF-style: chr1-1535586-C-A. GRCh37 (hg19) VCF-style: chr1-1470966-C-A.
Identifiers: ClinVar variation 3341894 (VCV003341894.18).